The following is an entry in ClinVar:

NM_001035.3(RYR2):c.2946C>T (p.Asp982=)

Gene: RYR2 (ryanodine receptor 2; plus strand). Cytogenetic location: 1q43.
Variant type: single nucleotide variant.
Coding change: c.2946C>T on transcript NM_001035.3 (MANE Select); coding-DNA position 2946, C replaced by T.
Protein change: p.Asp982=; no amino-acid change (aspartic acid 982 retained).
Molecular consequence: synonymous variant.
Genome position (GRCh38, 1-based): chr1:237,548,470, C>T. VCF-style: chr1-237548470-C-T. GRCh37 (hg19) VCF-style: chr1-237711770-C-T.
Identifiers: ClinVar variation 3347520 (VCV003347520.1).
Genomic context (GRCh38, chr1:237,548,470, plus strand): 5'-TTCTTTGTCTCTGATTTGTAGTTACCAGCTGACAAGTGGATACAAGCCTGCCCCTATGGA[C>T]CTGAGCTTTATCAAACTCACCCCATCACAAGAAGCAATGGTGGACAAGTTGGCAGAAAAT-3'
Protein context (NP_001026.2, residues 972-992): LTSGYKPAPM[Asp982=]LSFIKLTPSQ

ClinVar aggregate classification (germline): Likely benign (0 of 4 stars; one submission).

Conditions:
RYR2-related disorder. Also called: RYR2-related condition.

gnomAD v4.1: 1 of 1,613,972 alleles (0.000062%); highest among the groups gnomAD compares: Non-Finnish European, 0.000085%; no homozygotes.

Submission:

PreventionGenetics, part of Exact Sciences
Classification: Likely benign for RYR2-related condition. Last evaluated: 2024-09-01. Review status: no assertion criteria provided. Collection method: clinical testing. Allele origin: germline.
Comment: This variant is classified as likely benign based on ACMG/AMP sequence variant interpretation guidelines (Richards et al. 2015 PMID: 25741868, with internal and published modifications).